The following is an entry in ClinVar:

NM_015443.4(KANSL1):c.1849-4661_1895del

Gene: KANSL1 (KAT8 regulatory NSL complex subunit 1). Cytogenetic location: 17q21.31.
Variant type: Deletion.
Coding change: c.1849-4661_1895del on transcript NM_015443.4 (MANE Select); 4661 bases into the intron before coding-DNA position 1849 through coding-DNA position 1895, this stretch deleted.
Molecular consequence: splice acceptor variant.
Genome position: GRCh38: chr17:46,050,662-46,055,369. GRCh37 (hg19): chr17:44,128,028-44,132,735.
Other names: c.1849-4661_1895del (NM_001193465.2, NM_001379198.1, NM_001193466.2).
Identifiers: ClinVar variation 981466 (VCV000981466.2), ClinGen allele CA1139665666.

ClinVar aggregate classification (germline): Pathogenic (1 of 4 stars; one submission).

Conditions:
Koolen-de Vries syndrome (KDVS). Identifiers: Orphanet 96169, MedGen C1864871, MONDO:0012496, OMIM 610443.

Submission:

Institute for Genomic Statistics and Bioinformatics, University Hospital Bonn
Classification: Pathogenic for Koolen-de Vries syndrome. Review status: criteria provided, single submitter. Criteria: ACMG Guidelines, 2015. Collection method: clinical testing. Allele origin: de novo. Inheritance: Autosomal dominant inheritance. Affected: yes. Observed: 1 heterozygote.
Comment: PVS1, PS2, PM2, PP3, PP5